The following is an entry in ClinVar:

NM_001378454.1(ALMS1):c.4314C>T (p.Phe1438=)

Gene: ALMS1 (ALMS1 centrosome and basal body associated protein; plus strand). Cytogenetic location: 2p13.1.
Variant type: single nucleotide variant.
Coding change: c.4314C>T on transcript NM_001378454.1 (MANE Select); coding-DNA position 4314, C replaced by T.
Protein change: p.Phe1438=; no amino-acid change (phenylalanine 1438 retained).
Molecular consequence: synonymous variant.
Genome position (GRCh38, 1-based): chr2:73,450,841, C>T. VCF-style: chr2-73450841-C-T. GRCh37 (hg19) VCF-style: chr2-73677968-C-T.
Other names: c.4317C>T, p.Phe1439= (NM_015120.4).
Identifiers: ClinVar variation 1141895 (VCV001141895.10), dbSNP rs541180403, ClinGen allele CA1713686.

ClinVar aggregate classification (germline): Likely benign. Review status: criteria provided, multiple submitters, no conflicts (2 of 4 stars). 2 submissions from 2 submitters: Likely benign (2). Last evaluated 2025-10-26.

Conditions:
Alstrom syndrome (ALMS). Identifiers: Orphanet 64, MedGen C0268425, MONDO:0008763, OMIM 203800.

Allele frequency attached by ClinVar (database versions not stated): gnomAD 0.00001; gnomAD exomes 0.00001 and 0.00002; ExAC 0.00002; 1000 Genomes Project 30x 0.00016; 1000 Genomes Project 0.00020.
gnomAD v4.1: 22 of 1,614,130 alleles (0.0014%); highest among the groups gnomAD compares: South Asian, 0.023%; 1 homozygote.

Submissions (2):

Labcorp Genetics (formerly Invitae), Labcorp
Classification: Likely benign for Alstrom syndrome. Last evaluated: 2025-10-26. Review status: criteria provided, single submitter. Criteria: Invitae Variant Classification Sherloc (09022015). Collection method: clinical testing. Allele origin: germline.

Women's Health and Genetics/Laboratory Corporation of America, LabCorp
Classification: Likely benign. Last evaluated: 2021-12-28. Review status: criteria provided, single submitter. Criteria: LabCorp Variant Classification Summary - May 2015. Collection method: clinical testing. Allele origin: germline.
Comment: Variant summary: ALMS1 c.4311C>T (refseq c.4317C>T) alters a non-conserved nucleotide resulting in a synonymous change. 4/4 computational tools predict no significant impact on normal splicing. However, these predictions have yet to be confirmed by functional studies. The variant allele was found at a frequency of 2.4e-05 in 249156 control chromosomes (gnomAD). The available data on variant occurrences in the general population are insufficient to allow any conclusion about variant significance. To our knowledge, no occurrence of c.4311C>T in individuals affected with Alstrom Syndrome With Dilated Cardiomyopathy and no experimental evidence demonstrating its impact on protein function have been reported. One clinical diagnostic laboratory has submitted clinical-significance assessments for this variant to ClinVar after 2014 without evidence for independent evaluation and classified the variant as likely benign. Based on the evidence outlined above, the variant was classified as likely benign.